The following is an entry in ClinVar:

NM_000089.4(COL1A2):c.2679A>G (p.Glu893=)

Gene: COL1A2 (collagen type I alpha 2 chain; plus strand). Cytogenetic location: 7q21.3.
Variant type: single nucleotide variant.
Coding change: c.2679A>G on transcript NM_000089.4 (MANE Select); coding-DNA position 2679, A replaced by G.
Protein change: p.Glu893=; no amino-acid change (glutamic acid 893 retained).
Molecular consequence: synonymous variant.
Genome position (GRCh38, 1-based): chr7:94,425,122, A>G. VCF-style: chr7-94425122-A-G. GRCh37 (hg19) VCF-style: chr7-94054434-A-G.
Other names: p.Glu893=.
Identifiers: ClinVar variation 4683293 (VCV004683293.1).

ClinVar aggregate classification (germline): Likely benign (1 of 4 stars; one submission).

gnomAD v4.1: 1 of 1,613,950 alleles (0.000062%); highest among the groups gnomAD compares: Non-Finnish European, 0.000085%; no homozygotes.

Submission:

Mayo Clinic Laboratories, Mayo Clinic
Classification: Likely benign. Last evaluated: 2025-04-14. Review status: criteria provided, single submitter. Criteria: ACMG Guidelines, 2015. Collection method: clinical testing. Allele origin: germline. Observed: 1 variant allele.
Comment: BP4, BP7, PM2_supporting